The following is an entry in ClinVar:

NM_000135.4(FANCA):c.2242C>G (p.Leu748Val)

Gene: FANCA (FA complementation group A; minus strand). Cytogenetic location: 16q24.3.
Variant type: single nucleotide variant.
Coding change: c.2242C>G on transcript NM_000135.4 (MANE Select); coding-DNA position 2242, C replaced by G.
Protein change: p.Leu748Val; replaces leucine 748 with valine.
Molecular consequence: missense variant.
Genome position (GRCh38, 1-based): chr16:89,770,240, G>C on the plus strand (C>G on the coding strand, the complement: FANCA is on the minus strand). VCF-style: chr16-89770240-G-C. GRCh37 (hg19) VCF-style: chr16-89836648-G-C.
Other names: c.2242C>G, p.Leu748Val (NM_001286167.3); short protein forms L748V.
Identifiers: ClinVar variation 3602656 (VCV003602656.3).
Genomic context (GRCh38, chr16:89,770,240, plus strand): 5'-GCTGGCAGAGCCGGGTGAGCACTGCAGGGAGCACACGTCCACACATGGTCCTCACGAAGA[G>C]GGCAGCCCAGGGACCCTGCCTGCAGAGACAGCCGTGAAACCATCAGTACTAGCCATTCAG-3'
Protein context (NP_000126.2, residues 738-758): PPERQGPWAA[Leu748Val]FVRTMCGRVL

ClinVar aggregate classification (germline): Uncertain significance. Review status: criteria provided, multiple submitters, no conflicts (2 of 4 stars). 3 submissions from 3 submitters: Uncertain significance (3). Last evaluated 2025-02-15.

Conditions:
Fanconi anemia complementation group A (FANCA). Also called: FANCA-Related Fanconi Anemia; Fanconi anemia, group A. Identifiers: Orphanet 84, MedGen C3469521, MONDO:0009215, OMIM 227650.
Fanconi anemia (FA). Also called: Fanconi's anemia. Identifiers: Orphanet 84, MedGen C0015625, MeSH D005199, MONDO:0019391.

gnomAD v4.1: 2 of 1,581,796 alleles (0.00013%); highest among the groups gnomAD compares: South Asian, 0.0023%; no homozygotes.

Submissions (3):

Labcorp Genetics (formerly Invitae), Labcorp
Classification: Uncertain significance for Fanconi anemia. Last evaluated: 2025-02-15. Review status: criteria provided, single submitter. Criteria: Invitae Variant Classification Sherloc (09022015). Collection method: clinical testing. Allele origin: germline.
Comment: This sequence change replaces leucine, which is neutral and non-polar, with valine, which is neutral and non-polar, at codon 748 of the FANCA protein (p.Leu748Val). This variant is not present in population databases (gnomAD no frequency). This variant has not been reported in the literature in individuals affected with FANCA-related conditions. Invitae Evidence Modeling of protein sequence and biophysical properties (such as structural, functional, and spatial information, amino acid conservation, physicochemical variation, residue mobility, and thermodynamic stability) indicates that this missense variant is not expected to disrupt FANCA protein function with a negative predictive value of 95%. In summary, the available evidence is currently insufficient to determine the role of this variant in disease. Therefore, it has been classified as a Variant of Uncertain Significance.

St. Jude Molecular Pathology, St. Jude Children's Research Hospital
Classification: Uncertain significance for Fanconi anemia complementation group A. Last evaluated: 2024-07-16. Review status: criteria provided, single submitter. Criteria: St. Jude Assertion Criteria 2020. Collection method: clinical testing. Allele origin: germline.
Comment: The FANCA c.2242C>G (p.Leu748Val) missense change is absent in gnomAD v2.1.1. The in silico tool REVEL predicts a benign effect on protein function, but to our knowledge this prediction has not been confirmed by functional studies. To our knowledge, this variant has not been reported in individuals with Fanconi anemia. In summary, the evidence currently available is insufficient to determine the clinical significance of this variant. It has therefore been classified as of uncertain significance.

Blueprint Genetics
Classification: Uncertain significance. Last evaluated: 2024-06-19. Review status: criteria provided, single submitter. Criteria: ACMG Guidelines, 2015. Collection method: clinical testing. Allele origin: germline.